The following is an entry in ClinVar:

ClinVar aggregate classification (germline): Conflicting classifications of pathogenicity. Review status: criteria provided, conflicting classifications (1 of 4 stars). 9 submissions from 9 submitters: Uncertain significance (1); Benign (3); Likely benign (3). 2 of the submissions do not count toward it. Last evaluated 2026-02-01.

Conditions:
Hereditary spastic paraplegia 39 (SPG39). Also called: Spastic Paraplegia Type 39 (SPG39); SPASTIC PARAPLEGIA 39, AUTOSOMAL RECESSIVE. Identifiers: Orphanet 139480, MedGen C2677586, MONDO:0012787, OMIM 612020.
PNPLA6-related disorder. Also called: PNPLA6-related condition; PNPLA6-related disorders.
Hereditary spastic paraplegia. Also called: Familial spastic paraparesis. Identifiers: Orphanet 685, MedGen C0037773, MONDO:0019064. Disease mechanism: loss of function.

Allele frequency attached by ClinVar (database versions not stated): gnomAD exomes 0.00055 and 0.00117; ExAC 0.00158; ESP Exome Variant Server 0.00331; gnomAD 0.00387 and 0.00408; TOPMed 0.00409; 1000 Genomes Project 0.00479; 1000 Genomes Project 30x 0.00500.
gnomAD v4.1: 1,435 of 1,610,718 alleles (0.089%); highest among the groups gnomAD compares: African/African-American, 1.3%; 8 homozygotes.

Submissions (9):

Labcorp Genetics (formerly Invitae), Labcorp
Classification: Benign for Hereditary spastic paraplegia 39. Last evaluated: 2026-02-01. Review status: criteria provided, single submitter. Criteria: Invitae Variant Classification Sherloc (09022015). Collection method: clinical testing. Allele origin: germline.

Mayo Clinic Laboratories, Mayo Clinic
Classification: Benign. Last evaluated: 2025-03-18. Review status: criteria provided, single submitter. Criteria: ACMG Guidelines, 2015. Collection method: clinical testing. Allele origin: germline. Observed: 6 variant alleles.
Comment: BS1, BS2, BP4, BP7

Blueprint Genetics
Classification: Likely benign. Last evaluated: 2024-09-12. Review status: criteria provided, single submitter. Criteria: ACMG Guidelines, 2015. Collection method: clinical testing. Allele origin: germline.

GeneDx
Classification: Likely benign. Last evaluated: 2020-03-11. Review status: criteria provided, single submitter. Criteria: GeneDx Variant Classification Process June 2021. Collection method: clinical testing. Allele origin: germline. Affected: yes.

Genome Diagnostics Laboratory, The Hospital for Sick Children
Classification: Likely benign for Hereditary spastic paraplegia. Last evaluated: 2019-05-01. Review status: criteria provided, single submitter. Criteria: ACMG Guidelines, 2015. Collection method: clinical testing. Allele origin: germline. Affected: yes.

Clinical Genetics DNA and cytogenetics Diagnostics Lab, Erasmus MC, Erasmus Medical Center
Classification: Benign for Hereditary spastic paraplegia 39. Last evaluated: 2017-06-28. Review status: criteria provided, single submitter. Criteria: ACGS Guidelines, 2013. Collection method: clinical testing. Allele origin: germline. Affected: yes. Study: VKGL Data-share Consensus.

Illumina Laboratory Services, Illumina
Classification: Uncertain significance for Hereditary spastic paraplegia 39. Last evaluated: 2017-04-27. Review status: criteria provided, single submitter. Criteria: ICSL Variant Classification Criteria 13 December 2019. Collection method: clinical testing. Allele origin: germline.

PreventionGenetics, part of Exact Sciences
Classification: Benign for PNPLA6-related condition. Last evaluated: 2019-08-02. Review status: no assertion criteria provided. Collection method: clinical testing. Allele origin: germline. Not counted in ClinVar's aggregate classification.
Comment: This variant is classified as benign based on ACMG/AMP sequence variant interpretation guidelines (Richards et al. 2015 PMID: 25741868, with internal and published modifications).

Clinical Genetics, Academic Medical Center
Classification: Benign. Review status: no assertion criteria provided. Collection method: clinical testing. Allele origin: germline. Affected: yes. Study: VKGL Data-share Consensus. Not counted in ClinVar's aggregate classification.

NM_001166114.2(PNPLA6):c.3954C>T (p.Ala1318=)

Gene: PNPLA6 (patatin like domain 6, lysophospholipase; plus strand). Cytogenetic location: 19p13.2.
Variant type: single nucleotide variant.
Coding change: c.3954C>T on transcript NM_001166114.2 (MANE Select); coding-DNA position 3954, C replaced by T.
Protein change: p.Ala1318=; no amino-acid change (alanine 1318 retained).
Molecular consequence: synonymous variant.
Genome position (GRCh38, 1-based): chr19:7,561,248, C>T. VCF-style: chr19-7561248-C-T. GRCh37 (hg19) VCF-style: chr19-7626134-C-T.
Other names: p.Ala1280=; c.3984C>T, p.Ala1328= (NM_001166111.2); c.3759C>T, p.Ala1253= (NM_001166112.2); c.3840C>T, p.Ala1280= (NM_001166113.1, NM_006702.5).
Identifiers: ClinVar variation 386390 (VCV000386390.26), dbSNP rs34030828, ClinGen allele CA9140650.